The following is an entry in ClinVar:

NM_001372.4(DNAH9):c.5711C>T (p.Ser1904Phe)

Gene: DNAH9 (dynein axonemal heavy chain 9; plus strand). Cytogenetic location: 17p12.
Variant type: single nucleotide variant.
Coding change: c.5711C>T on transcript NM_001372.4 (MANE Select); coding-DNA position 5711, C replaced by T.
Protein change: p.Ser1904Phe; replaces serine 1904 with phenylalanine.
Molecular consequence: missense variant.
Genome position (GRCh38, 1-based): chr17:11,727,819, C>T. VCF-style: chr17-11727819-C-T. GRCh37 (hg19) VCF-style: chr17-11631136-C-T.
Other names: c.5711C>T (NM_001372.3); short protein forms S1904F.
Identifiers: ClinVar variation 2810218 (VCV002810218.4), dbSNP rs369767926, ClinGen allele CA8396096.

ClinVar aggregate classification (germline): Uncertain significance. Review status: criteria provided, multiple submitters, no conflicts (2 of 4 stars). 2 submissions from 2 submitters: Uncertain significance (2). Last evaluated 2026-07-03.

Conditions:
Inborn genetic diseases. Identifiers: MedGen C0950123, MeSH D030342.

Allele frequency attached by ClinVar (database versions not stated): gnomAD 0.00001; ESP Exome Variant Server 0.00008; ExAC 0.00001; TOPMed 0.00002.
gnomAD v4.1: 2 of 1,610,950 alleles (0.00012%); highest among the groups gnomAD compares: African/African-American, 0.0027%; no homozygotes.

Submissions (2):

Ambry Genetics
Classification: Uncertain significance for Inborn genetic diseases. Last evaluated: 2026-07-03. Review status: criteria provided, single submitter. Criteria: Ambry Variant Classification Scheme 2023. Collection method: clinical testing. Allele origin: germline.

Labcorp Genetics (formerly Invitae), Labcorp
Classification: Uncertain significance. Last evaluated: 2023-09-12. Review status: criteria provided, single submitter. Criteria: Invitae Variant Classification Sherloc (09022015). Collection method: clinical testing. Allele origin: germline.
Comment: In summary, the available evidence is currently insufficient to determine the role of this variant in disease. Therefore, it has been classified as a Variant of Uncertain Significance. An algorithm developed to predict the effect of missense changes on protein structure and function (PolyPhen-2) suggests that this variant is likely to be disruptive. This variant has not been reported in the literature in individuals affected with DNAH9-related conditions. This variant is present in population databases (rs369767926, gnomAD 0.01%). This sequence change replaces serine, which is neutral and polar, with phenylalanine, which is neutral and non-polar, at codon 1904 of the DNAH9 protein (p.Ser1904Phe).